The following is an entry in ClinVar:

NM_001130987.2(DYSF):c.3408C>T (p.Gly1136=)

Gene: DYSF (dysferlin; plus strand). Cytogenetic location: 2p13.2.
Variant type: single nucleotide variant.
Coding change: c.3408C>T on transcript NM_001130987.2 (MANE Select); coding-DNA position 3408, C replaced by T.
Protein change: p.Gly1136=; no amino-acid change (glycine 1136 retained).
Molecular consequence: synonymous variant.
Genome position (GRCh38, 1-based): chr2:71,589,598, C>T. VCF-style: chr2-71589598-C-T. GRCh37 (hg19) VCF-style: chr2-71816728-C-T.
Other names: c.3357C>T, p.Gly1119= (NM_001130455.2, NM_001130983.2); c.3312C>T, p.Gly1104= (NM_001130976.2, NM_001130977.2); c.3354C>T, p.Gly1118= (NM_001130978.2, NM_003494.4); c.3447C>T, p.Gly1149= (NM_001130979.2); c.3405C>T, p.Gly1135= (NM_001130980.2, NM_001130981.2); c.3450C>T, p.Gly1150= (NM_001130982.2); c.3315C>T, p.Gly1105= (NM_001130984.2, NM_001130986.2); c.3408C>T, p.Gly1136= (NM_001130985.2).
Identifiers: ClinVar variation 704711 (VCV000704711.15), dbSNP rs146498307, ClinGen allele CA1706554.
Genomic context (GRCh38, chr2:71,589,598, plus strand): 5'-CTGCCACCCCCAGGCCTGGGGGCAGAATCTGCCATAACCAGCTTCGTGTCTCCAGGGCGG[C>T]GTGATGGATGACAAGAGTGAAGATTCCATGTCCGTCTCCACCTTGAGCTTCGGTGTGAAC-3'
Protein context (NP_001124459.1, residues 1126-1146): AVFALEGALG[Gly1136=]VMDDKSEDSM

ClinVar aggregate classification (germline): Likely benign. Review status: criteria provided, multiple submitters, no conflicts (2 of 4 stars). 4 submissions from 4 submitters: Likely benign (2). 2 of the submissions do not count toward it. Last evaluated 2025-09-23.

Conditions:
DYSF-related disorder. Also called: DYSF-related condition; DYSF-related disorders.
Autosomal recessive limb-girdle muscular dystrophy type 2B (LGMDR2). Also called: MUSCULAR DYSTROPHY, LIMB-GIRDLE, AUTOSOMAL RECESSIVE 2; Limb-Girdle Muscular Dystrophy Type 2B (LGMD2B); MUSCULAR DYSTROPHY, LIMB-GIRDLE, TYPE 3; Limb-girdle muscular dystrophy, type 2B. Identifiers: Orphanet 268, MedGen C1850889, MONDO:0009676, OMIM 253601.
Neuromuscular disease caused by qualitative or quantitative defects of dysferlin. Also called: Qualitative or quantitative defects of dysferlin; Dysferlinopathy. Identifiers: Orphanet 207073, MedGen C2931687, MONDO:0016145.

Allele frequency attached by ClinVar (database versions not stated): gnomAD exomes 0.00003 and 0.00009; ExAC 0.00013; ESP Exome Variant Server 0.00023; gnomAD 0.00030 and 0.00031; TOPMed 0.00034; 1000 Genomes Project 0.00060; 1000 Genomes Project 30x 0.00062.
gnomAD v4.1: 91 of 1,613,972 alleles (0.0056%); highest among the groups gnomAD compares: African/African-American, 0.087%; 1 homozygote.

Submissions (4):

Labcorp Genetics (formerly Invitae), Labcorp
Classification: Likely benign for Neuromuscular disease caused by qualitative or quantitative defects of dysferlin. Last evaluated: 2025-09-23. Review status: criteria provided, single submitter. Criteria: Invitae Variant Classification Sherloc (09022015). Collection method: clinical testing. Allele origin: germline.

Blueprint Genetics
Classification: Likely benign. Last evaluated: 2024-08-12. Review status: criteria provided, single submitter. Criteria: ACMG Guidelines, 2015. Collection method: clinical testing. Allele origin: germline.

PreventionGenetics, part of Exact Sciences
Classification: Likely benign for DYSF-related condition. Last evaluated: 2021-04-28. Review status: no assertion criteria provided. Collection method: clinical testing. Allele origin: germline. Not counted in ClinVar's aggregate classification.
Comment: This variant is classified as likely benign based on ACMG/AMP sequence variant interpretation guidelines (Richards et al. 2015 PMID: 25741868, with internal and published modifications).

Natera, Inc.
Classification: Likely benign for Limb-girdle muscular dystrophy type 2B. Last evaluated: 2020-02-04. Review status: no assertion criteria provided. Collection method: clinical testing. Allele origin: germline. Not counted in ClinVar's aggregate classification.